The following is an entry in ClinVar:

ClinVar aggregate classification (germline): Benign/Likely benign (0 of 4 stars; one submission).

Submission:

GeneDx
Classification: Benign/Likely benign. Last evaluated: 2011-04-30. Review status: no assertion criteria provided. Collection method: clinical testing. Allele origin: not provided. Affected: yes. Observed: 3 variant alleles. Clinical features observed: Developmental delay AND/OR other significant developmental or morphological phenotypes.
Comment: Likely benign (1), Benign (2)

GRCh38/hg38 Xp22.33(chrX:2790986-2884477)x2

Genes: GYG2 (glycogenin 2; plus strand), XG (Xg glycoprotein (Xg blood group); plus strand), LOC126863189 (CDK7 strongly-dependent group 2 enhancer GRCh37_chrX:2722445-2723644; plus strand). Cytogenetic location: Xp22.33.
Variant type: copy number gain.
Change: copy number 2 of chrX:2,790,986-2,884,477 (93.5 kb, GRCh38 coordinates, 1-based), cytogenetic band Xp22.33.
Identifiers: ClinVar variation 145721 (VCV000145721.1).